The following is an entry in ClinVar:

ClinVar aggregate classification (germline): Pathogenic (1 of 4 stars; one submission).

Conditions:
Usher syndrome type 2A. Also called: RETINAL DISEASE IN USHER SYNDROME TYPE IIA, MODIFIER OF; USHER SYNDROME, TYPE IIA. Identifiers: Orphanet 231178, Orphanet 886, MedGen C1848634, MONDO:0010169, OMIM 276901.

Submission:

Natera, Inc.
Classification: Pathogenic for Usher syndrome type 2A. Last evaluated: 2025-12-11. Review status: criteria provided, single submitter. Criteria: Natera Variant Classification Schema (03/2026). Collection method: clinical testing. Allele origin: germline.
Comment: The c.5131_5132insGACG variant in USH2A is a frameshift variant predicted to shift the reading frame beginning at codon 1711 and leads to a stop codon 6 codons downstream. This variant is expected to result in nonsense mediated decay, truncation, or a dysfunctional protein product. This variant is rare in the general population with a frequency below the threshold expected for the associated phenotype(s). This variant has been observed in one or more individuals affected with the associated recessive disease, as either homozygous or compound heterozygous with a second variant (PMID: 34638692). Given the available evidence, this variant is classified as Pathogenic.

Literature cited by the submitters: PubMed 34638692.

NM_206933.4(USH2A):c.5131_5132insGACG (p.Ala1711fs)

Genes: USH2A (usherin; minus strand), USH2A-AS2 (USH2A antisense RNA 2; plus strand). Cytogenetic location: 1q41.
Variant type: Insertion.
Coding change: c.5131_5132insGACG on transcript NM_206933.4 (MANE Select); coding-DNA positions 5131 to 5132, GACG inserted.
Protein change: p.Ala1711fs; shifts the reading frame from alanine 1711.
Molecular consequence: frameshift variant.
Genome position: GRCh38 VCF-style: chr1-216084733-G-GCGTC. GRCh37 (hg19) VCF-style: chr1-216258075-G-GCGTC.
Other names: short protein forms A1711fs.
Identifiers: ClinVar variation 4817127 (VCV004817127.1).